The following is an entry in ClinVar:

NM_001252024.2(TRPM1):c.965G>A (p.Gly322Glu)

Gene: TRPM1 (transient receptor potential cation channel subfamily M member 1; minus strand). Cytogenetic location: 15q13.3.
Variant type: single nucleotide variant.
Coding change: c.965G>A on transcript NM_001252024.2 (MANE Select); coding-DNA position 965, G replaced by A.
Protein change: p.Gly322Glu; replaces glycine 322 with glutamic acid.
Molecular consequence: missense variant.
Genome position (GRCh38, 1-based): chr15:31,063,118, C>T on the plus strand (G>A on the coding strand, the complement: TRPM1 is on the minus strand). VCF-style: chr15-31063118-C-T. GRCh37 (hg19) VCF-style: chr15-31355321-C-T.
Other names: c.1016G>A, p.Gly339Glu (NM_001252020.2); c.899G>A, p.Gly300Glu (NM_002420.6); short protein forms G300E, G322E, G339E.
Identifiers: ClinVar variation 1004191 (VCV001004191.7), dbSNP rs200374755, ClinGen allele CA7452760.

ClinVar aggregate classification (germline): Uncertain significance. Review status: criteria provided, multiple submitters, no conflicts (2 of 4 stars). 3 submissions from 3 submitters: Uncertain significance (3). Last evaluated 2024-01-08.

Allele frequency attached by ClinVar (database versions not stated): gnomAD 0.00010 and 0.00008; ExAC 0.00002; ESP Exome Variant Server 0.00016; TOPMed 0.00008.
gnomAD v4.1: 26 of 1,614,096 alleles (0.0016%); highest among the groups gnomAD compares: African/African-American, 0.028%; no homozygotes.

Submissions (3):

Labcorp Genetics (formerly Invitae), Labcorp
Classification: Uncertain significance. Last evaluated: 2024-01-08. Review status: criteria provided, single submitter. Criteria: Invitae Variant Classification Sherloc (09022015). Collection method: clinical testing. Allele origin: germline.
Comment: This sequence change replaces glycine, which is neutral and non-polar, with glutamic acid, which is acidic and polar, at codon 300 of the TRPM1 protein (p.Gly300Glu). This variant also falls at the last nucleotide of exon 7, which is part of the consensus splice site for this exon. This variant is present in population databases (rs200374755, gnomAD 0.03%). This variant has not been reported in the literature in individuals affected with TRPM1-related conditions. ClinVar contains an entry for this variant (Variation ID: 1004191). An algorithm developed to predict the effect of missense changes on protein structure and function (PolyPhen-2) suggests that this variant is likely to be disruptive. Variants that disrupt the consensus splice site are a relatively common cause of aberrant splicing (PMID: 17576681, 9536098). Algorithms developed to predict the effect of sequence changes on RNA splicing suggest that this variant may disrupt the consensus splice site. In summary, the available evidence is currently insufficient to determine the role of this variant in disease. Therefore, it has been classified as a Variant of Uncertain Significance.

Blueprint Genetics
Classification: Uncertain significance. Last evaluated: 2021-08-02. Review status: criteria provided, single submitter. Criteria: ACMG Guidelines, 2015. Collection method: clinical testing. Allele origin: germline.

GeneDx
Classification: Uncertain significance. Last evaluated: 2019-08-20. Review status: criteria provided, single submitter. Criteria: GeneDx Variant Classification Process June 2021. Collection method: clinical testing. Allele origin: germline. Affected: yes.
Comment: In silico analysis, which includes protein predictors and evolutionary conservation, supports a deleterious effect; In addition, in silico splice predictors suggest this variant may lead to abnormal gene splicing. In the absence of RNA/functional studies, the actual effect of this sequence change is unknown.; Has not been previously published as pathogenic or benign to our knowledge

Literature cited by the submitters: PubMed 17576681 (cited by Labcorp Genetics (formerly Invitae), Labcorp); PubMed 9536098 (cited by Labcorp Genetics (formerly Invitae), Labcorp).